The following is an entry in ClinVar:

NM_020911.2(PLXNA4):c.1982+1G>A

Gene: PLXNA4 (plexin A4; minus strand). Cytogenetic location: 7q32.3.
Variant type: single nucleotide variant.
Coding change: c.1982+1G>A on transcript NM_020911.2 (MANE Select); the canonical splice donor site of the intron after coding-DNA position 1982, G replaced by A.
Molecular consequence: splice donor variant.
Genome position (GRCh38, 1-based): chr7:132,226,160, C>T on the plus strand (G>A on the coding strand, the complement: PLXNA4 is on the minus strand). VCF-style: chr7-132226160-C-T. GRCh37 (hg19) VCF-style: chr7-131910919-C-T.
Other names: c.1982+1G>A (NM_001393897.1).
Identifiers: ClinVar variation 4982591 (VCV004982591.1).

ClinVar aggregate classification (germline): Uncertain significance (1 of 4 stars; one submission).

Conditions:
PLXNA4-related disorder. Also called: PLXNA4-related condition.

gnomAD v4.1: 6 of 1,613,156 alleles (0.00037%); highest among the groups gnomAD compares: East Asian, 0.0022%; no homozygotes.

Submission:

PreventionGenetics, part of Exact Sciences
Classification: Uncertain significance for PLXNA4-related condition. Last evaluated: 2024-10-20. Review status: criteria provided, single submitter. Criteria: ACMG Guidelines, 2015. Collection method: clinical testing. Allele origin: germline.
Comment: The PLXNA4 c.1982+1G>A variant is predicted to disrupt the GT donor site and interfere with normal splicing. To our knowledge, this variant has not been reported in the literature or in a large population database (gnomAD), indicating this variant is rare. At this time, the clinical significance of this variant is uncertain due to the absence of conclusive functional and genetic evidence.